The following is an entry in ClinVar:

NM_030665.4(RAI1):c.3509A>G (p.Asn1170Ser)

Gene: RAI1 (retinoic acid induced 1; plus strand). Cytogenetic location: 17p11.2.
Variant type: single nucleotide variant.
Coding change: c.3509A>G on transcript NM_030665.4 (MANE Select); coding-DNA position 3509, A replaced by G.
Protein change: p.Asn1170Ser; replaces asparagine 1170 with serine.
Molecular consequence: missense variant.
Genome position (GRCh38, 1-based): chr17:17,796,457, A>G. VCF-style: chr17-17796457-A-G. GRCh37 (hg19) VCF-style: chr17-17699771-A-G.
Other names: c.3509A>G (NM_030665.3); short protein forms N1170S.
Identifiers: ClinVar variation 1963820 (VCV001963820.6), dbSNP rs571872615, ClinGen allele CA8418740.

ClinVar aggregate classification (germline): Conflicting classifications of pathogenicity. Review status: criteria provided, conflicting classifications (1 of 4 stars). 2 submissions from 2 submitters: Uncertain significance (1); Benign (1). Last evaluated 2026-06-19.

Conditions:
RAI1-related disorder. Also called: RAI1-related condition.

Allele frequency attached by ClinVar (database versions not stated): TOPMed below 0.00001; ExAC 0.00001; gnomAD 0.00002; gnomAD exomes 0.00002; 1000 Genomes Project 30x 0.00016; 1000 Genomes Project 0.00020.
gnomAD v4.1: 26 of 1,612,652 alleles (0.0016%); highest among the groups gnomAD compares: South Asian, 0.0044%; no homozygotes.

Submissions (2):

PreventionGenetics, part of Exact Sciences
Classification: Uncertain significance for RAI1-related condition. Last evaluated: 2026-06-19. Review status: criteria provided, single submitter. Criteria: ACMG Guidelines, 2015. Collection method: clinical testing. Allele origin: germline.
Comment: The RAI1 c.3509A>G variant is predicted to result in the amino acid substitution p.Asn1170Ser. To our knowledge, this variant has not been reported in the literature. This variant is reported in 0.0065% of alleles in individuals of South Asian descent in gnomAD. At this time, the clinical significance of this variant is uncertain due to the absence of conclusive functional and genetic evidence.

Labcorp Genetics (formerly Invitae), Labcorp
Classification: Benign. Last evaluated: 2025-04-14. Review status: criteria provided, single submitter. Criteria: Invitae Variant Classification Sherloc (09022015). Collection method: clinical testing. Allele origin: germline.